The following is an entry in ClinVar:

NM_031471.6(FERMT3):c.1738G>A (p.Ala580Thr)

Gene: FERMT3 (FERM domain containing kindlin 3; plus strand). Cytogenetic location: 11q13.1.
Variant type: single nucleotide variant.
Coding change: c.1738G>A on transcript NM_031471.6 (MANE Select); coding-DNA position 1738, G replaced by A.
Protein change: p.Ala580Thr; replaces alanine 580 with threonine.
Molecular consequence: missense variant.
Genome position (GRCh38, 1-based): chr11:64,223,115, G>A. VCF-style: chr11-64223115-G-A. GRCh37 (hg19) VCF-style: chr11-63990587-G-A.
Other names: c.1738G>A, p.Ala580Thr (NM_001382361.1, NM_001382448.1); c.1750G>A, p.Ala584Thr (NM_001382362.1, NM_178443.3); c.1198G>A, p.Ala400Thr (NM_001382363.1); c.1210G>A, p.Ala404Thr (NM_001382364.1); short protein forms A400T, A404T, A580T, A584T.
Identifiers: ClinVar variation 4770283 (VCV004770283.1).
Genomic context (GRCh38, chr11:64,223,115, plus strand): 5'-GGCAGCAGGAAAGACGAGATCCTGGGCATCGCCAACAACCGACTGATCCGCATCGACTTG[G>A]CCGTGGGCGACGTGGTCAAGACCTGGCGTTTCAGCAACATGCGCCAGTGGAATGTCAACT-3'
Protein context (NP_113659.3, residues 570-590): ANNRLIRIDL[Ala580Thr]VGDVVKTWRF

ClinVar aggregate classification (germline): Uncertain significance (1 of 4 stars; one submission).

Conditions:
Leukocyte adhesion deficiency 3. Also called: INTEGRIN ACTIVATION DEFICIENCY DISEASE; LEUKOCYTE ADHESION DEFICIENCY 1 VARIANT; Leukocyte adhesion deficiency, type III. Identifiers: Orphanet 2968, Orphanet 99844, MedGen C2748536, MONDO:0013016, OMIM 612840.

Submission:

Labcorp Genetics (formerly Invitae), Labcorp
Classification: Uncertain significance for Leukocyte adhesion deficiency 3. Last evaluated: 2025-06-08. Review status: criteria provided, single submitter. Criteria: Invitae Variant Classification Sherloc (09022015). Collection method: clinical testing. Allele origin: germline.
Comment: This sequence change replaces alanine, which is neutral and non-polar, with threonine, which is neutral and polar, at codon 580 of the FERMT3 protein (p.Ala580Thr). This variant is not present in population databases (gnomAD no frequency). This variant has not been reported in the literature in individuals affected with FERMT3-related conditions. Invitae Evidence Modeling of protein sequence and biophysical properties (such as structural, functional, and spatial information, amino acid conservation, physicochemical variation, residue mobility, and thermodynamic stability) indicates that this missense variant is not expected to disrupt FERMT3 protein function with a negative predictive value of 80%. In summary, the available evidence is currently insufficient to determine the role of this variant in disease. Therefore, it has been classified as a Variant of Uncertain Significance.